The following is an entry in ClinVar:

NM_000053.4(ATP7B):c.853G>A (p.Val285Ile)

Gene: ATP7B (ATPase copper transporting beta; minus strand). Cytogenetic location: 13q14.3.
Variant type: single nucleotide variant.
Coding change: c.853G>A on transcript NM_000053.4 (MANE Select); coding-DNA position 853, G replaced by A.
Protein change: p.Val285Ile; replaces valine 285 with isoleucine.
Molecular consequence: missense variant. On other transcripts: intron variant (1).
Genome position (GRCh38, 1-based): chr13:51,974,367, C>T on the plus strand (G>A on the coding strand, the complement: ATP7B is on the minus strand). VCF-style: chr13-51974367-C-T. GRCh37 (hg19) VCF-style: chr13-52548503-C-T.
Other names: c.853G>A, p.Val285Ile (NM_001005918.3, NM_001330578.2, NM_001330579.2 and 29 more transcripts); c.757G>A, p.Val253Ile (NM_001406517.1, NM_001406518.1, NM_001406530.1 and 3 more transcripts); c.802+51G>A (NM_001243182.2); short protein forms V253I, V285I.
Identifiers: ClinVar variation 1982170 (VCV001982170.1), dbSNP rs1952000210, ClinGen allele CA388040902.

ClinVar aggregate classification (germline): Uncertain significance (1 of 4 stars; one submission).

Conditions:
Wilson disease (WND). Also called: Wilson's disease. Identifiers: Orphanet 905, MedGen C0019202, MONDO:0010200, OMIM 277900. Disease mechanism: loss of function.

Allele frequency attached by ClinVar (database versions not stated): gnomAD 0.00001.
gnomAD v4.1: 1 of 1,613,830 alleles (0.000062%); highest among the groups gnomAD compares: African/African-American, 0.0013%; no homozygotes.

Submission:

Labcorp Genetics (formerly Invitae), Labcorp
Classification: Uncertain significance for Wilson disease. Last evaluated: 2022-08-10. Review status: criteria provided, single submitter. Criteria: Invitae Variant Classification Sherloc (09022015). Collection method: clinical testing. Allele origin: germline.
Comment: This sequence change replaces valine, which is neutral and non-polar, with isoleucine, which is neutral and non-polar, at codon 285 of the ATP7B protein (p.Val285Ile). This variant is not present in population databases (gnomAD no frequency). This variant has not been reported in the literature in individuals affected with ATP7B-related conditions. Advanced modeling of protein sequence and biophysical properties (such as structural, functional, and spatial information, amino acid conservation, physicochemical variation, residue mobility, and thermodynamic stability) performed at Invitae indicates that this missense variant is not expected to disrupt ATP7B protein function. In summary, the available evidence is currently insufficient to determine the role of this variant in disease. Therefore, it has been classified as a Variant of Uncertain Significance.